The following is an entry in ClinVar:

NM_001080453.3(INTS1):c.685-7C>T

Gene: INTS1 (integrator complex subunit 1; minus strand). Cytogenetic location: 7p22.3.
Variant type: single nucleotide variant.
Coding change: c.685-7C>T on transcript NM_001080453.3 (MANE Select); 7 bases into the intron before coding-DNA position 685, C replaced by T.
Molecular consequence: intron variant.
Genome position (GRCh38, 1-based): chr7:1,499,639, G>A on the plus strand (C>T on the coding strand, the complement: INTS1 is on the minus strand). VCF-style: chr7-1499639-G-A. GRCh37 (hg19) VCF-style: chr7-1539275-G-A.
Identifiers: ClinVar variation 4886606 (VCV004886606.2).

ClinVar aggregate classification (germline): Uncertain significance (1 of 4 stars; one submission).

gnomAD v4.1: 89 of 1,592,248 alleles (0.0056%); highest among the groups gnomAD compares: Middle Eastern, 0.067%; no homozygotes.

Submission:

Dasa
Classification: Uncertain significance. Last evaluated: 2026-03-18. Review status: criteria provided, single submitter. Criteria: DASA Assertion Criteria. Collection method: clinical testing. Allele origin: germline.
Comment: NM_001080453.3(INTS1):c.685-7C>T is a splice-region variant. This variant is rare in population databases. Computational prediction algorithms are consistent with a benign effect. The currently available literature and clinical evidence are not sufficient to establish a definitive association between this variant and the reported condition. Therefore, this variant is classified as a variant of uncertain significance.